The following is an entry in ClinVar:

NM_015215.4(CAMTA1):c.4178T>C (p.Ile1393Thr)

Genes: CAMTA1 (calmodulin binding transcription activator 1; plus strand), LOC126805603 (CDK7 strongly-dependent group 2 enhancer GRCh37_chr1:7798026-7799225; plus strand). Cytogenetic location: 1p36.23.
Variant type: single nucleotide variant.
Coding change: c.4178T>C on transcript NM_015215.4 (MANE Select); coding-DNA position 4178, T replaced by C.
Protein change: p.Ile1393Thr; replaces isoleucine 1393 with threonine.
Molecular consequence: missense variant.
Genome position (GRCh38, 1-based): chr1:7,738,478, T>C. VCF-style: chr1-7738478-T-C. GRCh37 (hg19) VCF-style: chr1-7798538-T-C.
Other names: c.4088T>C, p.Ile1363Thr (NM_001349608.2); c.3839T>C, p.Ile1280Thr (NM_001349609.2, NM_001349610.2, NM_001410737.1); c.3749T>C, p.Ile1250Thr (NM_001349612.2); c.1307T>C, p.Ile436Thr (NM_001349613.1); c.1250T>C, p.Ile417Thr (NM_001349614.1, NM_001349615.2, NM_001349616.2 and 2 more transcripts); c.911T>C, p.Ile304Thr (NM_001349619.2, NM_001349620.1, NM_001349621.1 and 5 more transcripts); c.3767T>C, p.Ile1256Thr (NM_001410738.1); c.4178T>C (NM_015215.2); short protein forms I1250T, I1256T, I1280T, I1363T, I1393T, I304T, I417T, I436T.
Identifiers: ClinVar variation 2444530 (VCV002444530.4), dbSNP rs1008898436, ClinGen allele CA338136629.
Genomic context (GRCh38, chr1:7,738,478, plus strand): 5'-AGCTGGGGTCCTACCGTGATAGTGCAGAAAATGAAGAATGCGGCCAGCCCATGGATGACA[T>C]ACAGGTAAAAAGCAGGGACAGGGTAAGCCCGCAGAGGCTGGTGCGTTCCAGTTGCTGTGA-3'
Protein context (NP_056030.1, residues 1383-1403): NEECGQPMDD[Ile1393Thr]QVNMMTLAEH

ClinVar aggregate classification (germline): Uncertain significance. Review status: criteria provided, multiple submitters, no conflicts (2 of 4 stars). 2 submissions from 2 submitters: Uncertain significance (2). Last evaluated 2025-04-30.

Conditions:
Inborn genetic diseases. Identifiers: MedGen C0950123, MeSH D030342.

Submissions (2):

Ambry Genetics
Classification: Uncertain significance for Inborn genetic diseases. Last evaluated: 2025-04-30. Review status: criteria provided, single submitter. Criteria: Ambry Variant Classification Scheme 2023. Collection method: clinical testing. Allele origin: germline.

GeneDx
Classification: Uncertain significance. Last evaluated: 2022-09-14. Review status: criteria provided, single submitter. Criteria: GeneDx Variant Classification Process June 2021. Collection method: clinical testing. Allele origin: germline. Affected: yes.
Comment: Not observed at significant frequency in large population cohorts (gnomAD); In silico analysis supports that this missense variant has a deleterious effect on protein structure/function; Has not been previously published as pathogenic or benign to our knowledge